The following is an entry in ClinVar:

NM_001276270.2(MBD4):c.-1G>A

Genes: MBD4 (methyl-CpG binding domain 4, DNA glycosylase; minus strand), LOC129937550 (ATAC-STARR-seq lymphoblastoid active region 20512; plus strand). Cytogenetic location: 3q21.3.
Variant type: single nucleotide variant.
Coding change: c.-1G>A on transcript NM_001276270.2 (MANE Select); 1 bases upstream of the start codon, G replaced by A.
Molecular consequence: 5 prime UTR variant.
Genome position (GRCh38, 1-based): chr3:129,439,834, C>T on the plus strand (G>A on the coding strand, the complement: MBD4 is on the minus strand). VCF-style: chr3-129439834-C-T. GRCh37 (hg19) VCF-style: chr3-129158677-C-T.
Other names: c.-1G>A (NM_001276271.2, NM_001276272.2, NM_001276273.2 and 2 more transcripts).
Identifiers: ClinVar variation 3543760 (VCV003543760.3).

ClinVar aggregate classification (germline): Uncertain significance. Review status: criteria provided, multiple submitters, no conflicts (2 of 4 stars). 2 submissions from 2 submitters: Uncertain significance (2). Last evaluated 2024-12-08.

Conditions:
Inborn genetic diseases. Identifiers: MedGen C0950123, MeSH D030342.

gnomAD v4.1: 363 of 1,607,956 alleles (0.023%); highest among the groups gnomAD compares: Non-Finnish European, 0.029%; no homozygotes.

Submissions (2):

Ambry Genetics
Classification: Uncertain significance for Inborn genetic diseases. Last evaluated: 2024-12-08. Review status: criteria provided, single submitter. Criteria: Ambry Variant Classification Scheme 2023. Collection method: clinical testing. Allele origin: germline.
Comment: The c.-1G>A variant is located in the 5' untranslated region (5&rsquo; UTR) of the MBD4 gene. This variant results from a G to A substitution 1 base upstream from the first translated codon. This nucleotide position is well conserved in available vertebrate species. Based on the available evidence, the clinical significance of this variant remains unclear.

Genetic Services Laboratory, University of Chicago
Classification: Uncertain significance. Last evaluated: 2023-03-10. Review status: criteria provided, single submitter. Criteria: ACMG Guidelines, 2015. Collection method: clinical testing. Allele origin: germline. Affected: no.
Comment: DNA sequence analysis of the MBD4 gene demonstrated a sequence change in the 5 untranslated region c.-1G>A. This change does not appear to have been previously described in individuals with MBD4-related disorders. This sequence change has been described in the gnomAD database with a frequency of 0.028% in the European subpopulation (dbSNP rs375088773). The functional significance of this sequence change is not known at present.